The following is an entry in ClinVar:

NM_004525.3(LRP2):c.13549C>T (p.Gln4517Ter)

Gene: LRP2 (LDL receptor related protein 2; minus strand). Cytogenetic location: 2q31.1.
Variant type: single nucleotide variant.
Coding change: c.13549C>T on transcript NM_004525.3 (MANE Select); coding-DNA position 13549, C replaced by T.
Protein change: p.Gln4517Ter; replaces glutamine 4517 with a stop codon.
Molecular consequence: nonsense.
Genome position (GRCh38, 1-based): chr2:169,137,463, G>A on the plus strand (C>T on the coding strand, the complement: LRP2 is on the minus strand). VCF-style: chr2-169137463-G-A. GRCh37 (hg19) VCF-style: chr2-169993973-G-A.
Other names: short protein forms Q4517*.
Identifiers: ClinVar variation 5014949 (VCV005014949.1).

ClinVar aggregate classification (germline): Pathogenic (1 of 4 stars; one submission).

Conditions:
Donnai-Barrow syndrome. Also called: DBS/FOAR SYNDROME; FACIOOCULOACOUSTICORENAL SYNDROME. Identifiers: Orphanet 2143, MedGen C1857277, MONDO:0009104, OMIM 222448.

Submission:

Myriad Genetics, Inc.
Classification: Pathogenic for Donnai-Barrow syndrome. Last evaluated: 2025-09-07. Review status: criteria provided, single submitter. Criteria: Myriad Autosomal Dominant, Autosomal Recessive and X-Linked Classification Criteria (2023). Collection method: clinical testing. Allele origin: unknown.
Comment: NM_004525.2(LRP2):c.13549C>T(Q4517*) is expected to be pathogenic in the context of Donnai-Barrow syndrome. This variant is predicted to lead to an abnormal or absent protein product due to the creation of a premature termination codon in LRP2, a gene where loss-of-function variants are known to be pathogenic. Please note: this variant was assessed in the context of healthy population screening.